The following is an entry in ClinVar:

NM_018344.6(SLC29A3):c.920G>A (p.Ser307Asn)

Gene: SLC29A3 (solute carrier family 29 member 3; plus strand). Cytogenetic location: 10q22.1.
Variant type: single nucleotide variant.
Coding change: c.920G>A on transcript NM_018344.6 (MANE Select); coding-DNA position 920, G replaced by A.
Protein change: p.Ser307Asn; replaces serine 307 with asparagine.
Molecular consequence: missense variant. On other transcripts: 3 prime UTR variant (1), non-coding transcript variant (2).
Genome position (GRCh38, 1-based): chr10:71,362,100, G>A. VCF-style: chr10-71362100-G-A. GRCh37 (hg19) VCF-style: chr10-73121857-G-A.
Other names: c.*149G>A (NM_001174098.2); c.686G>A, p.Ser229Asn (NM_001363518.2); short protein forms S307N, S229N.
Identifiers: ClinVar variation 300366 (VCV000300366.6), dbSNP rs556688985, ClinGen allele CA5543086.

ClinVar aggregate classification (germline): Uncertain significance. Review status: criteria provided, multiple submitters, no conflicts (2 of 4 stars). 2 submissions from 2 submitters: Uncertain significance (2). Last evaluated 2022-07-25.

Conditions:
H syndrome. Also called: Pigmented hypertrichosis and insulin-dependent diabetes mellitus; HISTIOCYTOSIS AND LYMPHADENOPATHY WITH OR WITHOUT CUTANEOUS, CARDIAC, AND/OR ENDOCRINE FEATURES, JOINT CONTRACTURES, AND/OR DEAFNESS; HYPERPIGMENTATION, CUTANEOUS, WITH HYPERTRICHOSIS, HEPATOSPLENOMEGALY, HEART ANOMALIES, AND HYPOGONADISM WITH OR WITHOUT HEARING LOSS; PIGMENTED HYPERTRICHOSIS WITH INSULIN-DEPENDENT DIABETES MELLITUS; ROSAI-DORFMAN DISEASE, FAMILIAL; SINUS HISTIOCYTOSIS AND MASSIVE LYMPHADENOPATHY. Identifiers: Orphanet 168569, MedGen C1864445, MONDO:0011273, OMIM 602782.

Allele frequency attached by ClinVar (database versions not stated): gnomAD 0.00001; TOPMed 0.00001; ExAC 0.00004; gnomAD exomes 0.00004; 1000 Genomes Project 30x 0.00016; 1000 Genomes Project 0.00020.
gnomAD v4.1: 21 of 1,614,098 alleles (0.0013%); highest among the groups gnomAD compares: South Asian, 0.021%; no homozygotes.

Submissions (2):

Labcorp Genetics (formerly Invitae), Labcorp
Classification: Uncertain significance for H syndrome. Last evaluated: 2022-07-25. Review status: criteria provided, single submitter. Criteria: Invitae Variant Classification Sherloc (09022015). Collection method: clinical testing. Allele origin: germline.
Comment: This sequence change replaces serine, which is neutral and polar, with asparagine, which is neutral and polar, at codon 307 of the SLC29A3 protein (p.Ser307Asn). This variant is present in population databases (rs556688985, gnomAD 0.03%). This variant has not been reported in the literature in individuals affected with SLC29A3-related conditions. ClinVar contains an entry for this variant (Variation ID: 300366). Algorithms developed to predict the effect of missense changes on protein structure and function (SIFT, PolyPhen-2, Align-GVGD) all suggest that this variant is likely to be tolerated. In summary, the available evidence is currently insufficient to determine the role of this variant in disease. Therefore, it has been classified as a Variant of Uncertain Significance.

Illumina Laboratory Services, Illumina
Classification: Uncertain significance for H syndrome. Last evaluated: 2018-01-13. Review status: criteria provided, single submitter. Criteria: ICSL Variant Classification Criteria 13 December 2019. Collection method: clinical testing. Allele origin: germline.